The following is an entry in ClinVar:

NM_173500.4(TTBK2):c.3722A>C (p.Lys1241Thr)

Gene: TTBK2 (tau tubulin kinase 2; minus strand). Cytogenetic location: 15q15.2.
Variant type: single nucleotide variant.
Coding change: c.3722A>C on transcript NM_173500.4 (MANE Select); coding-DNA position 3722, A replaced by C.
Protein change: p.Lys1241Thr; replaces lysine 1241 with threonine.
Molecular consequence: missense variant.
Genome position (GRCh38, 1-based): chr15:42,745,808, T>G on the plus strand (A>C on the coding strand, the complement: TTBK2 is on the minus strand). VCF-style: chr15-42745808-T-G. GRCh37 (hg19) VCF-style: chr15-43038006-T-G.
Other names: short protein forms K1241T.
Identifiers: ClinVar variation 425066 (VCV000425066.11), dbSNP rs36104367, ClinGen allele CA7516505.

ClinVar aggregate classification (germline): Conflicting classifications of pathogenicity. Review status: criteria provided, conflicting classifications (1 of 4 stars). 4 submissions from 4 submitters: Uncertain significance (3); Likely benign (1). Last evaluated 2024-02-28.

Conditions:
Spinocerebellar ataxia type 11 (SCA11). Identifiers: Orphanet 98767, MedGen C1858351, MONDO:0011464, OMIM 604432.

Allele frequency attached by ClinVar (database versions not stated): ExAC 0.00006; gnomAD 0.00011; gnomAD exomes 0.00011 and 0.00029; TOPMed 0.00015; ESP Exome Variant Server 0.00016.
gnomAD v4.1: 441 of 1,614,018 alleles (0.027%); highest among the groups gnomAD compares: Non-Finnish European, 0.036%; no homozygotes.

Submissions (4):

Labcorp Genetics (formerly Invitae), Labcorp
Classification: Uncertain significance. Last evaluated: 2024-02-28. Review status: criteria provided, single submitter. Criteria: Invitae Variant Classification Sherloc (09022015). Collection method: clinical testing. Allele origin: germline.
Comment: This sequence change replaces lysine, which is basic and polar, with threonine, which is neutral and polar, at codon 1241 of the TTBK2 protein (p.Lys1241Thr). This variant is present in population databases (rs36104367, gnomAD 0.02%). This variant has not been reported in the literature in individuals affected with TTBK2-related conditions. ClinVar contains an entry for this variant (Variation ID: 425066). An algorithm developed to predict the effect of missense changes on protein structure and function (PolyPhen-2) suggests that this variant is likely to be disruptive. In summary, the available evidence is currently insufficient to determine the role of this variant in disease. Therefore, it has been classified as a Variant of Uncertain Significance.

Athena Diagnostics
Classification: Likely benign. Last evaluated: 2020-01-02. Review status: criteria provided, single submitter. Criteria: Athena Diagnostics Criteria. Collection method: clinical testing. Allele origin: unknown.

Fulgent Genetics
Classification: Uncertain significance for Spinocerebellar ataxia type 11. Last evaluated: 2018-10-31. Review status: criteria provided, single submitter. Criteria: ACMG Guidelines, 2015. Collection method: clinical testing. Allele origin: unknown.

CeGaT Center for Human Genetics Tuebingen
Classification: Uncertain significance. Last evaluated: 2016-09-30. Review status: criteria provided, single submitter. Criteria: Praxis fuer Humangenetik Tuebingen - Variant Classification Criteria. Collection method: clinical testing. Allele origin: germline. Affected: yes. Observed: 3 variant alleles.